The following is an entry in ClinVar:

ClinVar aggregate classification (germline): Conflicting classifications of pathogenicity. Review status: criteria provided, conflicting classifications (1 of 4 stars). 4 submissions from 4 submitters: Uncertain significance (2); Benign (1); Likely benign (1). Last evaluated 2025-03-24.

Conditions:
Inborn genetic diseases. Identifiers: MedGen C0950123, MeSH D030342.
Hereditary spastic paraplegia 45. Also called: Spastic paraplegia 45, autosomal recessive; SPASTIC PARAPLEGIA 45. Identifiers: Orphanet 320396, MedGen C3888209, MONDO:0013165, OMIM 613162.
Hereditary spastic paraplegia. Also called: Familial spastic paraparesis. Identifiers: Orphanet 685, MedGen C0037773, MONDO:0019064. Disease mechanism: loss of function.

Allele frequency attached by ClinVar (database versions not stated): gnomAD exomes 0.00015 and 0.00034; gnomAD 0.00018 and 0.00019; TOPMed 0.00021; ExAC 0.00022; ESP Exome Variant Server 0.00031.
gnomAD v4.1: 259 of 1,586,298 alleles (0.016%); highest among the groups gnomAD compares: Middle Eastern, 0.033%; no homozygotes.

Submissions (5):

Labcorp Genetics (formerly Invitae), Labcorp
Classification: Benign for Hereditary spastic paraplegia 45. Last evaluated: 2025-03-24. Review status: criteria provided, single submitter. Criteria: Invitae Variant Classification Sherloc (09022015). Collection method: clinical testing. Allele origin: germline.

Blueprint Genetics
Classification: Likely benign. Last evaluated: 2024-10-07. Review status: criteria provided, single submitter. Criteria: ACMG Guidelines, 2015. Collection method: clinical testing. Allele origin: germline.

Ambry Genetics
Classification: Uncertain significance for Inborn genetic diseases. Last evaluated: 2021-01-20. Review status: criteria provided, single submitter. Criteria: Ambry Variant Classification Scheme 2023. Collection method: clinical testing. Allele origin: germline.
Comment: The c.540-4G>A intronic alteration consists of a G to A substitution 4 nucleotides before coding exon <NA> in the NT5C2 gene. In silico splice site analysis predicts that this alteration will not have any significant effect on splicing. Based on insufficient or conflicting evidence, the clinical significance of this alteration remains unclear.

Genome Diagnostics Laboratory, The Hospital for Sick Children
Classification: Uncertain significance for Hereditary spastic paraplegia. Last evaluated: 2020-01-01. Review status: criteria provided, single submitter. Criteria: ACMG Guidelines, 2015. Collection method: clinical testing. Allele origin: germline. Affected: yes.

Dr. Peter K. Rogan Lab, Western University
No classification provided (evidence only). Condition: Ovarian serous cystadenocarcinoma. Review status: no classification provided. Collection method: in vitro. Allele origin: not applicable. Functional consequence: retained intron. Not counted in ClinVar's aggregate classification.

NM_001351169.2(NT5C2):c.540-4G>A

Gene: NT5C2 (5'-nucleotidase, cytosolic II; minus strand). Cytogenetic location: 10q24.33.
Variant type: single nucleotide variant.
Coding change: c.540-4G>A on transcript NM_001351169.2 (MANE Select); 4 bases into the intron before coding-DNA position 540, G replaced by A.
Molecular consequence: intron variant.
Genome position (GRCh38, 1-based): chr10:103,100,023, C>T on the plus strand (G>A on the coding strand, the complement: NT5C2 is on the minus strand). VCF-style: chr10-103100023-C-T. GRCh37 (hg19) VCF-style: chr10-104859780-C-T.
Other names: c.453-4G>A (NM_001351174.1); c.-34-4G>A (NM_001351191.1, NM_001351192.1, NM_001351193.1 and 16 more transcripts); c.-216-4G>A (NM_001351194.2, NM_001351195.2, NM_001351196.2); c.540-4G>A (NM_001134373.3, NM_012229.5); c.564-4G>A (NM_001351170.2, NM_001351171.2, NM_001351172.2 and 1 more transcripts); c.447-4G>A (NM_001351175.2).
Identifiers: ClinVar variation 1344445 (VCV001344445.14), dbSNP rs201261415, ClinGen allele CA5671049.